The following is an entry in ClinVar:

NM_001370466.1(NOD2):c.1753G>A (p.Ala585Thr)

Gene: NOD2 (nucleotide binding oligomerization domain containing 2; plus strand). Cytogenetic location: 16q12.1.
Variant type: single nucleotide variant.
Coding change: c.1753G>A on transcript NM_001370466.1 (MANE Select); coding-DNA position 1753, G replaced by A.
Protein change: p.Ala585Thr; replaces alanine 585 with threonine.
Molecular consequence: missense variant. On other transcripts: non-coding transcript variant (1).
Genome position (GRCh38, 1-based): chr16:50,711,745, G>A. VCF-style: chr16-50711745-G-A. GRCh37 (hg19) VCF-style: chr16-50745656-G-A.
Other names: c.1834G>A, p.Ala612Thr (LRG_177t1, NM_022162.3); c.1753G>A, p.Ala585Thr (NM_001293557.2); short protein forms A612T, A585T.
Identifiers: ClinVar variation 4700 (VCV000004700.44), dbSNP rs104895438, ClinGen allele CA117029.

ClinVar aggregate classification (germline): Conflicting classifications of pathogenicity. Review status: criteria provided, conflicting classifications (1 of 4 stars). 9 submissions from 7 submitters: Uncertain significance (1); Benign (3); Likely benign (3). 2 of the submissions do not count toward it. Last evaluated 2026-04-15.

Conditions:
Psoriatic arthritis, susceptibility to. Identifiers: MedGen C1835223, MONDO:0100232, OMIM 607507.
Blau syndrome (BLAUS). Also called: JABS SYNDROME; ARTHROCUTANEOUVEAL GRANULOMATOSIS; GRANULOMATOSIS, FAMILIAL JUVENILE SYSTEMIC; GRANULOMATOSIS, FAMILIAL, BLAU TYPE; GRANULOMATOUS INFLAMMATORY ARTHRITIS, DERMATITIS, AND UVEITIS, FAMILIAL. Identifiers: Orphanet 90340, MedGen C5201146, MONDO:0008523, OMIM 186580.
Inflammatory bowel disease 1 (IBD1). Also called: Inflammatory bowel disease 1, Crohn disease; INFLAMMATORY BOWEL DISEASE (CROHN DISEASE) 1. Identifiers: MedGen CN260071, MONDO:0009960, OMIM 266600.
Yao syndrome. Also called: Susceptibility to Yao syndrome. Identifiers: MedGen C4310620, MONDO:0015019, OMIM 617321.
Regional enteritis. Also called: Enteritis, Granulomatous. Identifiers: MedGen C0678202, MeSH D003424.

Allele frequency attached by ClinVar (database versions not stated): TOPMed 0.00048.
gnomAD v4.1: 521 of 1,614,154 alleles (0.032%); highest among the groups gnomAD compares: East Asian, 0.14%; 3 homozygotes.

Submissions (9):

Women's Health and Genetics/Laboratory Corporation of America, LabCorp
Classification: Likely benign. Last evaluated: 2026-04-15. Review status: criteria provided, single submitter. Criteria: LabCorp Variant Classification Summary - May 2015. Collection method: clinical testing. Allele origin: germline.

Labcorp Genetics (formerly Invitae), Labcorp
Classification: Benign for Regional enteritis; Blau syndrome. Last evaluated: 2026-02-01. Review status: criteria provided, single submitter. Criteria: Invitae Variant Classification Sherloc (09022015). Collection method: clinical testing. Allele origin: germline.

Center for Genomics, Ann and Robert H. Lurie Children's Hospital of Chicago
Classification: Benign for Blau syndrome. Last evaluated: 2024-12-10. Review status: criteria provided, single submitter. Criteria: ACMG Guidelines, 2015. Collection method: clinical testing. Allele origin: germline.

CeGaT Center for Human Genetics Tuebingen
Classification: Benign. Last evaluated: 2024-01-01. Review status: criteria provided, single submitter. Criteria: CeGaT Center For Human Genetics Tuebingen Variant Classification Criteria Version 2. Collection method: clinical testing. Allele origin: germline. Affected: yes. Observed: 2 variant alleles.
Comment: NOD2: BS1, BS2

Center for Genomics, Ann and Robert H. Lurie Children's Hospital of Chicago
Classification: Uncertain significance for Blau syndrome; Inflammatory bowel disease 1; Psoriatic arthritis, susceptibility to; Yao syndrome. Last evaluated: 2019-12-12. Review status: criteria provided, single submitter. Criteria: ACMG Guidelines, 2015. Collection method: clinical testing. Allele origin: germline.
Comment: NOD2 NM_022162.2 exon 4 p.Ala612Thr (c.1834G>A): This variant has been reported in the literature in at least 3 individuals with Inflammatory Bowel Disease (IBD)/Crohn's disease (Lesage 2002 PMID:11875755, Rivas 2018 PMID:29795570, Schiff 2018 PMID:30167848). This variant is present in 0.7% (76/10370) of Ashkenazi Jewish alleles, including 1 homozygote in the Genome Aggregation Database. This variant is present in ClinVar (Variation ID: 4700). Evolutionary conservation and computational predictive tools suggest that this variant may impact the protein. In summary, data on this variant is insufficient for disease classification. Therefore, the clinical significance of this variant is uncertain.

Illumina Laboratory Services, Illumina
Classification: Likely benign for Inflammatory bowel disease 1. Last evaluated: 2017-04-27. Review status: criteria provided, single submitter. Criteria: ICSL Variant Classification Criteria 13 December 2019. Collection method: clinical testing. Allele origin: germline.
Comment: This variant was observed as part of a predisposition screen in an ostensibly healthy population. A literature search was performed for the gene, cDNA change, and amino acid change (where applicable). Publications were found based on this search. The evidence from the literature, in combination with allele frequency data from public databases where available, was sufficient to determine this variant is unlikely to cause disease. Therefore, this variant is classified as likely benign.

Illumina Laboratory Services, Illumina
Classification: Likely benign for Blau syndrome. Last evaluated: 2017-04-27. Review status: criteria provided, single submitter. Criteria: ICSL Variant Classification Criteria 13 December 2019. Collection method: clinical testing. Allele origin: germline.
Comment: the same text as in the submission from Illumina Laboratory Services, Illumina above.

OMIM
Classification: Uncertain significance for RECLASSIFIED - VARIANT OF UNKNOWN SIGNIFICANCE. Last evaluated: 2005-02-01. Review status: no assertion criteria provided. Collection method: literature only. Allele origin: germline. Not counted in ClinVar's aggregate classification.

Unité médicale des maladies autoinflammatoires, CHRU Montpellier
No classification provided. Condition: Sarcoidosis, early-onset. Review status: no classification provided. Collection method: not provided. Allele origin: unknown. Not counted in ClinVar's aggregate classification.
Comment: also involved in OMIM 186580 and 266600

Literature cited by the submitters: PubMed 15459013 (cited by Illumina Laboratory Services, Illumina and OMIM); PubMed 11875755 (cited by Illumina Laboratory Services, Illumina); PubMed 12626759 (cited by Illumina Laboratory Services, Illumina); Hamosh, A. Personal Communication. 2017. Baltimore, Md. (cited by OMIM).